The following is an entry in ClinVar:

NM_021120.4(DLG3):c.2266C>T (p.Arg756Ter)

Gene: DLG3 (discs large MAGUK scaffold protein 3; plus strand). Cytogenetic location: Xq13.1.
Variant type: single nucleotide variant.
Coding change: c.2266C>T on transcript NM_021120.4 (MANE Select); coding-DNA position 2266, C replaced by T.
Protein change: p.Arg756Ter; replaces arginine 756 with a stop codon.
Molecular consequence: nonsense.
Genome position (GRCh38, 1-based): chrX:70,500,908, C>T. VCF-style: chrX-70500908-C-T. GRCh37 (hg19) VCF-style: chrX-69720758-C-T.
Other names: c.913C>T, p.Arg305Ter (NM_001166278.2); c.1351C>T, p.Arg451Ter (NM_020730.3); short protein forms R305*, R451*, R756*.
Identifiers: ClinVar variation 1319664 (VCV001319664.8), dbSNP rs2147892965, ClinGen allele CA413461363.

ClinVar aggregate classification (germline): Pathogenic. Review status: criteria provided, multiple submitters, no conflicts (2 of 4 stars). 4 submissions from 4 submitters: Pathogenic (4). Last evaluated 2025-01-31.

Conditions:
Intellectual developmental disorder, X-linked 90. Also called: DLG3-Related X-Linked Nonsyndromic Mental Retardation; Intellectual disability, X-linked 90. Identifiers: Orphanet 777, MedGen C3275443, MONDO:0010452, OMIM 300850.

Submissions (4):

Equipe Genetique des Anomalies du Developpement, Université de Bourgogne
Classification: Pathogenic for Intellectual developmental disorder, X-linked 90. Last evaluated: 2025-01-31. Review status: criteria provided, single submitter. Criteria: ACMG Guidelines, 2015. Collection method: clinical testing. Allele origin: germline. Affected: yes.
Comment: This variant is a nonsense at position 756 and is present in the hemizygous state. Hemizygous pathogenic variants in DLG3 are reported in an autosomal dominant intellectual disability (OMIM #300850). This variant is not present in population database gnomAD (v4.1.0) and has previously been reported in ClinVar and in the literature (PMID:28777483). Based on these evidences, the variant was classified as pathogenic.

Women's Health and Genetics/Laboratory Corporation of America, LabCorp
Classification: Pathogenic for Intellectual developmental disorder, X-linked 90. Last evaluated: 2024-02-08. Review status: criteria provided, single submitter. Criteria: LabCorp Variant Classification Summary - May 2015. Collection method: clinical testing. Allele origin: germline.
Comment: Variant summary: DLG3 c.2266C>T (p.Arg756X) results in a premature termination codon, predicted to cause absence of the protein due to nonsense mediated decay, which is a commonly known mechanism for disease. The variant was absent in 1086739 control chromosomes (gnomAD v4.0). c.2266C>T has been reported in the literature in an individual(s) affected with Intellectual Disability, X-Linked 90 (Martinez-Granero_2021). The following publication has been ascertained in the context of this evaluation (PMID: 33767182). ClinVar contains an entry for this variant (Variation ID: 1319664). Based on the evidence outlined above, the variant was classified as pathogenic.

Revvity Omics, Revvity
Classification: Pathogenic for Intellectual developmental disorder, X-linked 90. Last evaluated: 2023-07-26. Review status: criteria provided, single submitter. Criteria: ACMG Guidelines, 2015. Collection method: clinical testing. Allele origin: germline.

Institute for Clinical Genetics, University Hospital TU Dresden, University Hospital TU Dresden
Classification: Pathogenic. Last evaluated: 2021-11-03. Review status: criteria provided, single submitter. Criteria: ACMG Guidelines, 2015. Collection method: clinical testing. Allele origin: germline.

Literature cited by the submitters: PubMed 28777483 (cited by Equipe Genetique des Anomalies du Developpement, Université de Bourgogne); PubMed 33767182 (cited by Women's Health and Genetics/Laboratory Corporation of America, LabCorp).